The following is an entry in ClinVar:

ClinVar aggregate classification (germline): Conflicting classifications of pathogenicity. Review status: criteria provided, conflicting classifications (1 of 4 stars). 3 submissions from 3 submitters: Uncertain significance (1); Likely benign (1). 1 of the submissions does not count toward it. Last evaluated 2026-03-17.

Conditions:
Hereditary cancer-predisposing syndrome. Also called: Hereditary Cancer Syndrome; Tumor predisposition; Hereditary neoplastic syndrome; Neoplastic Syndromes, Hereditary. Identifiers: Orphanet 140162, MedGen C0027672, MeSH D009386, MONDO:0015356.
Familial cancer of breast. Also called: Hereditary breast cancer; BREAST CANCER, FAMILIAL; hereditary breast carcinoma. Identifiers: Orphanet 227535, MedGen C0346153, MONDO:0016419, OMIM 114480. Disease mechanism: loss of function.

Submissions (3):

Ambry Genetics
Classification: Likely benign for Hereditary cancer-predisposing syndrome. Last evaluated: 2026-03-17. Review status: criteria provided, single submitter. Criteria: Ambry Variant Classification Scheme 2023. Collection method: clinical testing. Allele origin: germline.

Labcorp Genetics (formerly Invitae), Labcorp
Classification: Uncertain significance for Familial cancer of breast. Last evaluated: 2022-01-27. Review status: criteria provided, single submitter. Criteria: Invitae Variant Classification Sherloc (09022015). Collection method: clinical testing. Allele origin: germline.
Comment: This sequence change replaces serine, which is neutral and polar, with proline, which is neutral and non-polar, at codon 285 of the PALB2 protein (p.Ser285Pro). This variant is not present in population databases (gnomAD no frequency). This missense change has been observed in individual(s) with breast cancer (PMID: 30287823). ClinVar contains an entry for this variant (Variation ID: 410172). Algorithms developed to predict the effect of missense changes on protein structure and function are either unavailable or do not agree on the potential impact of this missense change (SIFT: "Deleterious"; PolyPhen-2: "Possibly Damaging"; Align-GVGD: "Class C0"). In summary, the available evidence is currently insufficient to determine the role of this variant in disease. Therefore, it has been classified as a Variant of Uncertain Significance.

Leiden Open Variation Database
Classification: Uncertain significance. Last evaluated: 2018-10-10. Review status: no assertion criteria provided. Collection method: curation. Allele origin: germline. Affected: yes. Not counted in ClinVar's aggregate classification.
Comment: Curators: Marc Tischkowitz, Arleen D. Auerbach. Submitter to LOVD: Yukihide Momozawa.

Literature cited by the submitters: PubMed 30287823 (cited by Labcorp Genetics (formerly Invitae), Labcorp and Leiden Open Variation Database).

NM_024675.4(PALB2):c.853T>C (p.Ser285Pro)

Gene: PALB2 (partner and localizer of BRCA2; minus strand). Cytogenetic location: 16p12.2.
Variant type: single nucleotide variant.
Coding change: c.853T>C on transcript NM_024675.4 (MANE Select); coding-DNA position 853, T replaced by C.
Protein change: p.Ser285Pro; replaces serine 285 with proline.
Molecular consequence: missense variant.
Genome position (GRCh38, 1-based): chr16:23,635,693, A>G on the plus strand (T>C on the coding strand, the complement: PALB2 is on the minus strand). VCF-style: chr16-23635693-A-G. GRCh37 (hg19) VCF-style: chr16-23647014-A-G.
Other names: short protein forms S285P.
Identifiers: ClinVar variation 410172 (VCV000410172.11), dbSNP rs1060502776, ClinGen allele CA16615283.